The following is an entry in ClinVar:

NM_006031.6(PCNT):c.8607G>A (p.Ala2869=)

Gene: PCNT (pericentrin; plus strand). Cytogenetic location: 21q22.3.
Variant type: single nucleotide variant.
Coding change: c.8607G>A on transcript NM_006031.6 (MANE Select); coding-DNA position 8607, G replaced by A.
Protein change: p.Ala2869=; no amino-acid change (alanine 2869 retained).
Molecular consequence: synonymous variant. On other transcripts: intron variant (1).
Genome position (GRCh38, 1-based): chr21:46,432,071, G>A. VCF-style: chr21-46432071-G-A. GRCh37 (hg19) VCF-style: chr21-47851985-G-A.
Other names: c.8160+93G>A (NM_001315529.2); c.8607G>A (NM_006031.5).
Identifiers: ClinVar variation 2983883 (VCV002983883.4), dbSNP rs745843340, ClinGen allele CA10081006.

ClinVar aggregate classification (germline): Likely benign. Review status: criteria provided, multiple submitters, no conflicts (2 of 4 stars). 2 submissions from 2 submitters: Likely benign (2). Last evaluated 2026-04-08.

Conditions:
PCNT-related disorder. Also called: PCNT-related condition.

Allele frequency attached by ClinVar (database versions not stated): gnomAD exomes 0.00001; TOPMed 0.00002; ExAC 0.00003; gnomAD 0.00003.
gnomAD v4.1: 16 of 1,613,954 alleles (0.00099%); highest among the groups gnomAD compares: African/African-American, 0.0027%; no homozygotes.

Submissions (2):

PreventionGenetics, part of Exact Sciences
Classification: Likely benign for PCNT-related condition. Last evaluated: 2026-04-08. Review status: criteria provided, single submitter. Criteria: ACMG Guidelines, 2015. Collection method: clinical testing. Allele origin: germline.
Comment: This variant is classified as likely benign based on ACMG/AMP sequence variant interpretation guidelines (Richards et al. 2015 PMID: 25741868, with internal and published modifications).

Labcorp Genetics (formerly Invitae), Labcorp
Classification: Likely benign. Last evaluated: 2026-01-20. Review status: criteria provided, single submitter. Criteria: Invitae Variant Classification Sherloc (09022015). Collection method: clinical testing. Allele origin: germline.